The following is an entry in ClinVar:

NM_133510.4(RAD51B):c.632C>T (p.Ser211Phe)

Gene: RAD51B (RAD51 paralog B; plus strand). Cytogenetic location: 14q24.1.
Variant type: single nucleotide variant.
Coding change: c.632C>T on transcript NM_133510.4 (MANE Select); coding-DNA position 632, C replaced by T.
Protein change: p.Ser211Phe; replaces serine 211 with phenylalanine.
Molecular consequence: missense variant.
Genome position (GRCh38, 1-based): chr14:67,887,080, C>T. VCF-style: chr14-67887080-C-T. GRCh37 (hg19) VCF-style: chr14-68353797-C-T.
Other names: c.632C>T, p.Ser211Phe (NM_001321809.2, NM_001321810.2, NM_001321812.1 and 6 more transcripts); c.518C>T, p.Ser173Phe (NM_001321815.1); c.275C>T, p.Ser92Phe (NM_001321817.2); short protein forms S173F, S211F, S92F.
Identifiers: ClinVar variation 4575308 (VCV004575308.1).

ClinVar aggregate classification (germline): Uncertain significance (1 of 4 stars; one submission).

Submission:

Ambry Genetics
Classification: Uncertain significance. Last evaluated: 2025-11-05. Review status: criteria provided, single submitter. Criteria: Ambry Variant Classification Scheme 2023. Collection method: clinical testing. Allele origin: germline.
Comment: The p.S211F variant (also known as c.632C>T), located in coding exon 6 of the RAD51B gene, results from a C to T substitution at nucleotide position 632. The serine at codon 211 is replaced by phenylalanine, an amino acid with highly dissimilar properties. This amino acid position is conserved. In addition, this alteration is predicted to be deleterious by in silico analysis. Based on the available evidence, the clinical significance of this variant remains unclear.